The following is an entry in ClinVar:

ClinVar aggregate classification (germline): Benign. Review status: criteria provided, multiple submitters, no conflicts (2 of 4 stars). 10 submissions from 9 submitters: Benign (10). Last evaluated 2026-04-14.

Conditions:
Familial intrahepatic cholestasis. Identifiers: Orphanet 284385, MedGen CN296401, MONDO:0017290.
Cholestasis, intrahepatic, of pregnancy, 1 (ICP1). Also called: CHOLESTASIS, PREGNANCY-RELATED, 1. Identifiers: Orphanet 69665, MedGen C3549845, MONDO:0007829, OMIM 147480.
Progressive familial intrahepatic cholestasis type 1. Also called: BYLER DISEASE; Byler's disease; Severe ATP8B1 Deficiency (Progressive Familial Intrahepatic Cholestasis Type 1 [PFIC1]). Identifiers: Orphanet 79306, MedGen C4551898, MONDO:0008892, OMIM 211600.

Allele frequency attached by ClinVar (database versions not stated): ExAC 0.23062; gnomAD exomes 0.25436 and 0.21694; TOPMed 0.18181; gnomAD 0.19804 and 0.19806; 1000 Genomes Project 0.14058; 1000 Genomes Project 30x 0.14179; ESP Exome Variant Server 0.18116.
gnomAD v4.1: 383,865 of 1,548,334 alleles (25%); highest among the groups gnomAD compares: Non-Finnish European, 27%; 50,815 homozygotes.

Submissions (10):

Genomenon, Inc
Classification: Benign for Familial intrahepatic cholestasis. Last evaluated: 2026-04-14. Review status: criteria provided, single submitter. Criteria: Genomenon Sequence Variant Interpretation Standards - Updated. Collection method: curation. Allele origin: germline. Affected: no.
Comment: ATP8B1 c.3532-15C>T is an intronic variant located in the acceptor splice region of intron 27. This variant is present at high allele frequency in population databases. In conclusion, we classify ATP8B1 c.3532-15C>T as a benign variant.

Labcorp Genetics (formerly Invitae), Labcorp
Classification: Benign. Last evaluated: 2026-02-04. Review status: criteria provided, single submitter. Criteria: Invitae Variant Classification Sherloc (09022015). Collection method: clinical testing. Allele origin: germline.

Mayo Clinic Laboratories, Mayo Clinic
Classification: Benign. Last evaluated: 2022-04-08. Review status: criteria provided, single submitter. Criteria: ACMG Guidelines, 2015. Collection method: clinical testing. Allele origin: germline. Observed: 163 variant alleles.

Genome-Nilou Lab
Classification: Benign for Cholestasis, intrahepatic, of pregnancy, 1. Last evaluated: 2021-07-14. Review status: criteria provided, single submitter. Criteria: ACMG Guidelines, 2015. Collection method: clinical testing. Allele origin: germline. Affected: no.

Genome-Nilou Lab
Classification: Benign for Progressive familial intrahepatic cholestasis type 1. Last evaluated: 2021-07-14. Review status: criteria provided, single submitter. Criteria: ACMG Guidelines, 2015. Collection method: clinical testing. Allele origin: germline. Affected: no.

Illumina Laboratory Services, Illumina
Classification: Benign for Progressive familial intrahepatic cholestasis type 1. Last evaluated: 2018-01-12. Review status: criteria provided, single submitter. Criteria: ICSL Variant Classification Criteria 13 December 2019. Collection method: clinical testing. Allele origin: germline.
Comment: This variant was observed in the ICSL laboratory as part of a predisposition screen in an ostensibly healthy population. It had not been previously curated by ICSL or reported in the Human Gene Mutation Database (HGMD: prior to June 1st, 2018), and was therefore a candidate for classification through an automated scoring system. Utilizing variant allele frequency, disease prevalence and penetrance estimates, and inheritance mode, an automated score was calculated to assess if this variant is too frequent to cause the disease. Based on the score and internal cut-off values, a variant classified as benign is not then subjected to further curation. The score for this variant resulted in a classification of benign for this disease.

Eurofins Ntd Llc (ga)
Classification: Benign. Last evaluated: 2016-02-25. Review status: criteria provided, single submitter. Criteria: EGL Classification Definitions 2015. Collection method: clinical testing. Allele origin: germline. Observed: 1 variant allele, 1 heterozygote.

GeneDx
Classification: Benign. Last evaluated: 2016-01-24. Review status: criteria provided, single submitter. Criteria: GeneDx Variant Classification (06012015). Collection method: clinical testing. Allele origin: germline. Affected: yes.
Comment: This variant is considered likely benign or benign based on one or more of the following criteria: it is a conservative change, it occurs at a poorly conserved position in the protein, it is predicted to be benign by multiple in silico algorithms, and/or has population frequency not consistent with disease.

Breakthrough Genomics
Classification: Benign. Review status: criteria provided, single submitter. Criteria: ACMG Guidelines, 2015. Collection method: not provided. Allele origin: germline. Inheritance: Autosomal recessive inheritance. Affected: yes.

PreventionGenetics, part of Exact Sciences
Classification: Benign. Review status: criteria provided, single submitter. Criteria: ACMG Guidelines, 2015. Collection method: clinical testing. Allele origin: germline.

NM_001374385.1(ATP8B1):c.3532-15C>T

Genes: ATP8B1 (ATPase phospholipid transporting 8B1; minus strand), ATP8B1-AS1 (ATP8B1 antisense RNA 1; plus strand). Cytogenetic location: 18q21.31.
Variant type: single nucleotide variant.
Coding change: c.3532-15C>T on transcript NM_001374385.1 (MANE Select); 15 bases into the intron before coding-DNA position 3532, C replaced by T.
Molecular consequence: intron variant.
Genome position (GRCh38, 1-based): chr18:57,648,727, G>A on the plus strand (C>T on the coding strand, the complement: ATP8B1 is on the minus strand). VCF-style: chr18-57648727-G-A. GRCh37 (hg19) VCF-style: chr18-55315959-G-A.
Other names: p.?; c.3532-15C>T (NM_005603.6); c.3382-15C>T (NM_001374386.1).
Identifiers: ClinVar variation 259823 (VCV000259823.19), dbSNP rs12958967, ClinGen allele CA8973977.